The following is an entry in ClinVar:

ClinVar aggregate classification (germline): Uncertain significance. Review status: criteria provided, multiple submitters, no conflicts (2 of 4 stars). 3 submissions from 3 submitters: Uncertain significance (3). Last evaluated 2025-06-12.

Allele frequency attached by ClinVar (database versions not stated): gnomAD exomes 0.00001; ExAC 0.00007; gnomAD 0.00009; ESP Exome Variant Server 0.00015; TOPMed 0.00015.
gnomAD v4.1: 36 of 1,613,952 alleles (0.0022%); highest among the groups gnomAD compares: African/African-American, 0.041%; no homozygotes.

Submissions (3):

Labcorp Genetics (formerly Invitae), Labcorp
Classification: Uncertain significance. Last evaluated: 2025-06-12. Review status: criteria provided, single submitter. Criteria: Invitae Variant Classification Sherloc (09022015). Collection method: clinical testing. Allele origin: germline.
Comment: This sequence change replaces serine, which is neutral and polar, with cysteine, which is neutral and slightly polar, at codon 183 of the NUP133 protein (p.Ser183Cys). This variant is present in population databases (rs371359337, gnomAD 0.05%). This variant has not been reported in the literature in individuals affected with NUP133-related conditions. ClinVar contains an entry for this variant (Variation ID: 2197014). An algorithm developed to predict the effect of missense changes on protein structure and function (PolyPhen-2) suggests that this variant is likely to be disruptive. In summary, the available evidence is currently insufficient to determine the role of this variant in disease. Therefore, it has been classified as a Variant of Uncertain Significance.

Mayo Clinic Laboratories, Mayo Clinic
Classification: Uncertain significance. Last evaluated: 2024-01-17. Review status: criteria provided, single submitter. Criteria: ACMG Guidelines, 2015. Collection method: clinical testing. Allele origin: germline. Observed: 1 variant allele.
Comment: BP4

Ambry Genetics
Classification: Uncertain significance. Last evaluated: 2023-12-09. Review status: criteria provided, single submitter. Criteria: Ambry Variant Classification Scheme 2023. Collection method: clinical testing. Allele origin: germline.

NM_018230.3(NUP133):c.548C>G (p.Ser183Cys)

Gene: NUP133 (nucleoporin 133; minus strand). Cytogenetic location: 1q42.13.
Variant type: single nucleotide variant.
Coding change: c.548C>G on transcript NM_018230.3 (MANE Select); coding-DNA position 548, C replaced by G.
Protein change: p.Ser183Cys; replaces serine 183 with cysteine.
Molecular consequence: missense variant.
Genome position (GRCh38, 1-based): chr1:229,499,784, G>C on the plus strand (C>G on the coding strand, the complement: NUP133 is on the minus strand). VCF-style: chr1-229499784-G-C. GRCh37 (hg19) VCF-style: chr1-229635531-G-C.
Other names: p.Ser183Cys; c.548C>G (NM_018230.2); short protein forms S183C.
Identifiers: ClinVar variation 2197014 (VCV002197014.6), dbSNP rs371359337, ClinGen allele CA1443796.